The following is an entry in ClinVar:

ClinVar aggregate classification (germline): Uncertain significance. Review status: criteria provided, multiple submitters, no conflicts (2 of 4 stars). 2 submissions from 2 submitters: Uncertain significance (2). Last evaluated 2025-06-25.

Conditions:
Tuberous sclerosis 1 (TSC1). Identifiers: Orphanet 805, MedGen C1854465, MONDO:0008612, OMIM 191100.
Hereditary cancer-predisposing syndrome. Also called: Neoplastic Syndromes, Hereditary; Tumor predisposition; Hereditary Cancer Syndrome; Hereditary neoplastic syndrome. Identifiers: Orphanet 140162, MedGen C0027672, MeSH D009386, MONDO:0015356.

Submissions (2):

Ambry Genetics
Classification: Uncertain significance for Hereditary cancer-predisposing syndrome. Last evaluated: 2025-06-25. Review status: criteria provided, single submitter. Criteria: Ambry Variant Classification Scheme 2023. Collection method: clinical testing. Allele origin: germline.
Comment: The p.S671T variant (also known as c.2012G>C), located in coding exon 14 of the TSC1 gene, results from a G to C substitution at nucleotide position 2012. The serine at codon 671 is replaced by threonine, an amino acid with similar properties. This amino acid position is conserved. In addition, the in silico prediction for this alteration is inconclusive. Based on the available evidence, the clinical significance of this variant remains unclear.

Labcorp Genetics (formerly Invitae), Labcorp
Classification: Uncertain significance for Tuberous sclerosis 1. Last evaluated: 2024-09-01. Review status: criteria provided, single submitter. Criteria: Invitae Variant Classification Sherloc (09022015). Collection method: clinical testing. Allele origin: germline.
Comment: This sequence change replaces serine, which is neutral and polar, with threonine, which is neutral and polar, at codon 671 of the TSC1 protein (p.Ser671Thr). This variant is not present in population databases (gnomAD no frequency). This variant has not been reported in the literature in individuals affected with TSC1-related conditions. Invitae Evidence Modeling of protein sequence and biophysical properties (such as structural, functional, and spatial information, amino acid conservation, physicochemical variation, residue mobility, and thermodynamic stability) indicates that this missense variant is not expected to disrupt TSC1 protein function with a negative predictive value of 95%. In summary, the available evidence is currently insufficient to determine the role of this variant in disease. Therefore, it has been classified as a Variant of Uncertain Significance.

NM_000368.5(TSC1):c.2012G>C (p.Ser671Thr)

Gene: TSC1 (TSC complex subunit 1; minus strand). Cytogenetic location: 9q34.13.
Variant type: single nucleotide variant.
Coding change: c.2012G>C on transcript NM_000368.5 (MANE Select); coding-DNA position 2012, G replaced by C.
Protein change: p.Ser671Thr; replaces serine 671 with threonine.
Molecular consequence: missense variant. On other transcripts: non-coding transcript variant (5).
Genome position (GRCh38, 1-based): chr9:132,904,440, C>G on the plus strand (G>C on the coding strand, the complement: TSC1 is on the minus strand). VCF-style: chr9-132904440-C-G. GRCh37 (hg19) VCF-style: chr9-135779827-C-G.
Other names: c.2012G>C, p.Ser671Thr (NM_001406596.1, NM_001406601.1, NM_001406602.1 and 7 more transcripts); c.2009G>C, p.Ser670Thr (NM_001406597.1, NM_001406598.1, NM_001406599.1 and 6 more transcripts); c.1649G>C, p.Ser550Thr (NM_001406615.1, NM_001406616.1, NM_001406617.1 and 5 more transcripts); c.1646G>C, p.Ser549Thr (NM_001406620.1, NM_001406621.1, NM_001406622.1 and 2 more transcripts); c.1859G>C, p.Ser620Thr (NM_001162427.2, NM_001406610.1); c.1856G>C, p.Ser619Thr (NM_001406611.1, NM_001406612.1, NM_001406613.1); c.1061G>C, p.Ser354Thr (NM_001406626.1); c.1058G>C, p.Ser353Thr (NM_001406627.1, NM_001406628.1); and 1 more; short protein forms S320T, S353T, S354T, S549T, S550T, S619T, S620T, S670T.
Identifiers: ClinVar variation 3622384 (VCV003622384.3).
Genomic context (GRCh38, chr9:132,904,440, plus strand): 5'-GCTGGATTTGGAGCTAAAGTAACAACTTTACCTCCAAAGTGGGTCCAGTCGACAGACTTG[C>G]TGGGTAAAGGCAACCTAGGAAGAAAGTTTTTGAGTAACAAAGTTACCGATCTTACCAAGA-3'
Protein context (NP_000359.1, residues 661-681): SKELNKLPLP[Ser671Thr]KSVDWTHFGG